The following is an entry in ClinVar:

NM_016239.4(MYO15A):c.9698T>G (p.Leu3233Arg)

Gene: MYO15A (myosin XVA; plus strand). Cytogenetic location: 17p11.2.
Variant type: single nucleotide variant.
Coding change: c.9698T>G on transcript NM_016239.4 (MANE Select); coding-DNA position 9698, T replaced by G.
Protein change: p.Leu3233Arg; replaces leucine 3233 with arginine.
Molecular consequence: missense variant.
Genome position (GRCh38, 1-based): chr17:18,163,749, T>G. VCF-style: chr17-18163749-T-G. GRCh37 (hg19) VCF-style: chr17-18067063-T-G.
Other names: short protein forms L3233R.
Identifiers: ClinVar variation 1305919 (VCV001305919.2), dbSNP rs747239979, ClinGen allele CA8425658.

ClinVar aggregate classification (germline): Uncertain significance (1 of 4 stars; one submission).

Allele frequency attached by ClinVar (database versions not stated): ExAC 0.00002; gnomAD exomes 0.00002; gnomAD 0.00003 and 0.00004; TOPMed 0.00003.
gnomAD v4.1: 39 of 1,613,156 alleles (0.0024%); highest among the groups gnomAD compares: Middle Eastern, 0.033%; no homozygotes.

Submission:

GeneDx
Classification: Uncertain significance. Last evaluated: 2019-05-17. Review status: criteria provided, single submitter. Criteria: GeneDx Variant Classification Process June 2021. Collection method: clinical testing. Allele origin: germline. Affected: yes.
Comment: In silico analysis, which includes protein predictors and evolutionary conservation, supports that this variant does not alter protein structure/function